The following is an entry in ClinVar:

NM_032444.4(SLX4):c.437C>G (p.Ser146Cys)

Gene: SLX4 (SLX4 structure-specific endonuclease subunit; minus strand). Cytogenetic location: 16p13.3.
Variant type: single nucleotide variant.
Coding change: c.437C>G on transcript NM_032444.4 (MANE Select); coding-DNA position 437, C replaced by G.
Protein change: p.Ser146Cys; replaces serine 146 with cysteine.
Molecular consequence: missense variant.
Genome position (GRCh38, 1-based): chr16:3,608,528, G>C on the plus strand (C>G on the coding strand, the complement: SLX4 is on the minus strand). VCF-style: chr16-3608528-G-C. GRCh37 (hg19) VCF-style: chr16-3658529-G-C.
Other names: short protein forms S146C.
Identifiers: ClinVar variation 2981311 (VCV002981311.3), dbSNP rs2548225508, ClinGen allele CA394547237.

ClinVar aggregate classification (germline): Uncertain significance (1 of 4 stars; one submission).

Conditions:
Fanconi anemia (FA). Also called: Fanconi's anemia. Identifiers: Orphanet 84, MedGen C0015625, MeSH D005199, MONDO:0019391.

Submission:

Labcorp Genetics (formerly Invitae), Labcorp
Classification: Uncertain significance for Fanconi anemia. Last evaluated: 2024-05-20. Review status: criteria provided, single submitter. Criteria: Invitae Variant Classification Sherloc (09022015). Collection method: clinical testing. Allele origin: germline.
Comment: This sequence change replaces serine, which is neutral and polar, with cysteine, which is neutral and slightly polar, at codon 146 of the SLX4 protein (p.Ser146Cys). This variant is not present in population databases (gnomAD no frequency). This variant has not been reported in the literature in individuals affected with SLX4-related conditions. An algorithm developed to predict the effect of missense changes on protein structure and function (PolyPhen-2) suggests that this variant is likely to be disruptive. In summary, the available evidence is currently insufficient to determine the role of this variant in disease. Therefore, it has been classified as a Variant of Uncertain Significance.